The following is an entry in ClinVar:

ClinVar aggregate classification (germline): Pathogenic (1 of 4 stars; one submission).

Submission:

Quest Diagnostics Nichols Institute San Juan Capistrano
Classification: Pathogenic. Last evaluated: 2022-03-15. Review status: criteria provided, single submitter. Criteria: ACMG/ClinGen CNV Guidelines, 2019. Collection method: clinical testing. Allele origin: unknown.
Comment: The copy number gain (duplication) of Xq28 overlaps the int22h1/int22h2-mediated Xq28 duplication syndrome region (OMIM 300815), which is an X-linked intellectual disability syndrome characterized by variable features including cognitive impairment, behavioral and psychiatric problems, recurrent infections and atopic diseases, obesity, and distinctive facial features in males. Female carriers exhibit a milder phenotype (with learning difficulties and distinctive facies) or are clinically unaffected. The cognitive impairment in individuals with the int22h1/int22h2-mediated Xq28 duplication syndrome is likely due to increased dosage of one or more of the encompassed genes; the most likely candidates are CLIC2 (OMIM300138) and RAB39B (OMIM 300774). References: Ballout et al. GeneReviews 2016. PMID: 26962617. El-Hattab et al. BMC Med Genet. 2015;16:12. PMID: 25927380. Isrie et al. Eur J Med Genet. 2012;55(11):577-85. PMID: 22659343. Vanmarsenille L. Hum Mutat. 2014;35(3):377-83. PMID: 24357492.

GRCh37/hg19 Xq28(chrX:154110981-154565718)x2

Genes: BRCC3 (BRCA1/BRCA2-containing complex subunit 3; plus strand), CLIC2 (chloride intracellular channel 2; minus strand), CMC4 (C-X9-C motif containing 4; minus strand), F8 (coagulation factor VIII; minus strand), F8A1 (coagulation factor VIII associated 1; plus strand) and 5 more. Cytogenetic location: Xq28.
Variant type: copy number gain.
Change: copy number 2 of chrX:154,110,981-154,565,718 (454.7 kb, GRCh37 coordinates, 1-based), cytogenetic band Xq28.
Identifiers: ClinVar variation 1808575 (VCV001808575.1).